The following is an entry in ClinVar:

ClinVar aggregate classification (germline): Uncertain significance (1 of 4 stars; one submission).

Conditions:
Inborn genetic diseases. Identifiers: MedGen C0950123, MeSH D030342.

Submission:

Ambry Genetics
Classification: Uncertain significance for Inborn genetic diseases. Last evaluated: 2025-03-19. Review status: criteria provided, single submitter. Criteria: Ambry Variant Classification Scheme 2023. Collection method: clinical testing. Allele origin: germline.
Comment: The p.S892A variant (also known as c.2674T>G), located in coding exon 28 of the FANCA gene, results from a T to G substitution at nucleotide position 2674. The serine at codon 892 is replaced by alanine, an amino acid with similar properties. This amino acid position is conserved. In addition, this alteration is predicted to be tolerated by in silico analysis. Based on the available evidence, the clinical significance of this variant remains unclear.

NM_000135.4(FANCA):c.2674T>G (p.Ser892Ala)

Genes: FANCA (FA complementation group A; minus strand), LOC130059837 (ATAC-STARR-seq lymphoblastoid active region 11420; plus strand). Cytogenetic location: 16q24.3.
Variant type: single nucleotide variant.
Coding change: c.2674T>G on transcript NM_000135.4 (MANE Select); coding-DNA position 2674, T replaced by G.
Protein change: p.Ser892Ala; replaces serine 892 with alanine.
Molecular consequence: missense variant.
Genome position (GRCh38, 1-based): chr16:89,764,994, A>C on the plus strand (T>G on the coding strand, the complement: FANCA is on the minus strand). VCF-style: chr16-89764994-A-C. GRCh37 (hg19) VCF-style: chr16-89831402-A-C.
Other names: c.2674T>G, p.Ser892Ala (NM_001286167.3); short protein forms S892A.
Identifiers: ClinVar variation 4022093 (VCV004022093.1).